The following is an entry in ClinVar:

NM_016239.4(MYO15A):c.10228G>C (p.Ala3410Pro)

Gene: MYO15A (myosin XVA; plus strand). Cytogenetic location: 17p11.2.
Variant type: single nucleotide variant.
Coding change: c.10228G>C on transcript NM_016239.4 (MANE Select); coding-DNA position 10228, G replaced by C.
Protein change: p.Ala3410Pro; replaces alanine 3410 with proline.
Molecular consequence: missense variant.
Genome position (GRCh38, 1-based): chr17:18,172,168, G>C. VCF-style: chr17-18172168-G-C. GRCh37 (hg19) VCF-style: chr17-18075482-G-C.
Other names: short protein forms A3410P.
Identifiers: ClinVar variation 228939 (VCV000228939.9), dbSNP rs755643067, ClinGen allele CA10577029.
Genomic context (GRCh38, chr17:18,172,168, plus strand): 5'-TCAGTGAGCCCTGCCCAGCACGTAACTGCCACCCCCTCTCCCTGCCCAGGCCTCCTCAGC[G>C]CCTTACCTATGTTCGGCTCCTCCTTCTTCTTCATCCAGAGCTGCAGCAACATTGCTGTGC-3'
Protein context (NP_057323.3, residues 3400-3420): ARAQFLGLLS[Ala3410Pro]LPMFGSSFFF

ClinVar aggregate classification (germline): Uncertain significance. Review status: criteria provided, multiple submitters, no conflicts (2 of 4 stars). 3 submissions from 3 submitters: Uncertain significance (3). Last evaluated 2021-09-01.

Conditions:
Inborn genetic diseases. Identifiers: MedGen C0950123, MeSH D030342.

Allele frequency attached by ClinVar (database versions not stated): TOPMed 0.00002.
gnomAD v4.1: 11 of 1,614,026 alleles (0.00068%); highest among the groups gnomAD compares: Admixed American, 0.0067%; no homozygotes.

Submissions (3):

Labcorp Genetics (formerly Invitae), Labcorp
Classification: Uncertain significance. Last evaluated: 2021-09-01. Review status: criteria provided, single submitter. Criteria: Invitae Variant Classification Sherloc (09022015). Collection method: clinical testing. Allele origin: germline.
Comment: This sequence change replaces alanine with proline at codon 3410 of the MYO15A protein (p.Ala3410Pro). The alanine residue is highly conserved and there is a small physicochemical difference between alanine and proline. This variant is not present in population databases (ExAC no frequency). This variant has not been reported in the literature in individuals affected with MYO15A-related conditions. ClinVar contains an entry for this variant (Variation ID: 228939). Advanced modeling of protein sequence and biophysical properties (such as structural, functional, and spatial information, amino acid conservation, physicochemical variation, residue mobility, and thermodynamic stability) performed at Invitae indicates that this missense variant is not expected to disrupt MYO15A protein function. In summary, the available evidence is currently insufficient to determine the role of this variant in disease. Therefore, it has been classified as a Variant of Uncertain Significance.

Ambry Genetics
Classification: Uncertain significance for Inborn genetic diseases. Last evaluated: 2021-07-06. Review status: criteria provided, single submitter. Criteria: Ambry Variant Classification Scheme 2023. Collection method: clinical testing. Allele origin: germline.

Laboratory for Molecular Medicine, Mass General Brigham Personalized Medicine
Classification: Uncertain significance. Last evaluated: 2015-06-25. Review status: criteria provided, single submitter. Criteria: LMM Criteria. Collection method: clinical testing. Allele origin: germline. Observed: 1 variant allele.
Comment: The p.Ala3410Pro variant in MYO15A has not been previously reported in individua ls with hearing loss or in large population studies. Computational prediction to ols and conservation analysis suggest that this variant may impact the protein, though this information is not predictive enough to determine pathogenicity. In summary, the clinical significance of the p.Ala3410Pro variant is uncertain.